The following is an entry in ClinVar:

ClinVar aggregate classification (germline): Pathogenic (1 of 4 stars; one submission).

Conditions:
Autosomal dominant hypocalcemia 1 (HYPOC1). Also called: HYPOCALCEMIA, FAMILIAL. Identifiers: MedGen C3715128, MONDO:0011013, OMIM 601198.
Familial hypocalciuric hypercalcemia (FHH). Also called: Familial benign hypercalcemia. Identifiers: Orphanet 405, MedGen C1809471, MONDO:0018458.

Submission:

Labcorp Genetics (formerly Invitae), Labcorp
Classification: Pathogenic for Familial hypocalciuric hypercalcemia; Autosomal dominant hypocalcemia 1. Last evaluated: 2023-07-07. Review status: criteria provided, single submitter. Criteria: Invitae Variant Classification Sherloc (09022015). Collection method: clinical testing. Allele origin: unknown.
Comment: This variant is a gross deletion of the genomic region encompassing exon(s) 4 of the CASR gene. This variant would be expected to be in-frame, preserving the integrity of the reading frame. This variant has not been reported in the literature in individuals affected with CASR-related conditions. This variant disrupts a region of the CASR protein in which other variant(s) (p.Arg172Gly) have been determined to be pathogenic (PMID: 20034274, 22422767, 23966241, 27434672). This suggests that this is a clinically significant region of the protein, and that variants that disrupt it are likely to be disease-causing. For these reasons, this variant has been classified as Pathogenic.

Literature cited by the submitters: PubMed 20034274; PubMed 22422767; PubMed 23966241; PubMed 27434672.

NC_000003.11:g.(?_121980355)_(121981279_?)del

Gene: CASR (calcium sensing receptor; plus strand). Cytogenetic location: 3q21.1.
Variant type: Deletion.
Identifiers: ClinVar variation 3246879 (VCV003246879.1).